The following is an entry in ClinVar:

NM_017752.3(TBC1D8B):c.1036-8C>A

Gene: TBC1D8B (TBC1 domain family member 8B; plus strand). Cytogenetic location: Xq22.3.
Variant type: single nucleotide variant.
Coding change: c.1036-8C>A on transcript NM_017752.3 (MANE Select); 8 bases into the intron before coding-DNA position 1036, C replaced by A.
Molecular consequence: intron variant.
Genome position (GRCh38, 1-based): chrX:106,827,162, C>A. VCF-style: chrX-106827162-C-A. GRCh37 (hg19) VCF-style: chrX-106070392-C-A.
Other names: c.1036-8C>A (NM_198881.2).
Identifiers: ClinVar variation 3351421 (VCV003351421.1).

ClinVar aggregate classification (germline): Likely benign (0 of 4 stars; one submission).

Conditions:
TBC1D8B-related disorder. Also called: TBC1D8B-related condition.

gnomAD v4.1: 14 of 1,199,562 alleles (0.0012%); highest among the groups gnomAD compares: African/African-American, 0.019%; no homozygotes.

Submission:

PreventionGenetics, part of Exact Sciences
Classification: Likely benign for TBC1D8B-related condition. Last evaluated: 2024-05-29. Review status: no assertion criteria provided. Collection method: clinical testing. Allele origin: germline.
Comment: This variant is classified as likely benign based on ACMG/AMP sequence variant interpretation guidelines (Richards et al. 2015 PMID: 25741868, with internal and published modifications).